The following is an entry in ClinVar:

NM_000548.5(TSC2):c.2802G>A (p.Arg934=)

Gene: TSC2 (TSC complex subunit 2; plus strand). Cytogenetic location: 16p13.3.
Variant type: single nucleotide variant.
Coding change: c.2802G>A on transcript NM_000548.5 (MANE Select); coding-DNA position 2802, G replaced by A.
Protein change: p.Arg934=; no amino-acid change (arginine 934 retained).
Molecular consequence: synonymous variant.
Genome position (GRCh38, 1-based): chr16:2,076,550, G>A. VCF-style: chr16-2076550-G-A. GRCh37 (hg19) VCF-style: chr16-2126551-G-A.
Other names: c.2802G>A, p.Arg934= (NM_001077183.3, NM_001114382.3, NM_001363528.2 and 3 more transcripts); c.2691G>A, p.Arg897= (NM_001318827.2); c.2655G>A, p.Arg885= (NM_001318829.2); c.2202G>A, p.Arg734= (NM_001318831.2); c.2835G>A, p.Arg945= (NM_001318832.2).
Identifiers: ClinVar variation 1153637 (VCV001153637.12), dbSNP rs2151395548, ClinGen allele CA492954535.

ClinVar aggregate classification (germline): Benign/Likely benign. Review status: criteria provided, multiple submitters, no conflicts (2 of 4 stars). 3 submissions from 3 submitters: Benign (1); Likely benign (2). Last evaluated 2025-05-27.

Conditions:
Hereditary cancer-predisposing syndrome. Also called: Hereditary Cancer Syndrome; Hereditary neoplastic syndrome; Neoplastic Syndromes, Hereditary; Tumor predisposition. Identifiers: Orphanet 140162, MedGen C0027672, MeSH D009386, MONDO:0015356.
Tuberous sclerosis 2 (TSC2). Identifiers: Orphanet 805, MedGen C1860707, MONDO:0013199, OMIM 613254.

Submissions (3):

Myriad Genetics, Inc.
Classification: Benign for Tuberous sclerosis 2. Last evaluated: 2025-05-27. Review status: criteria provided, single submitter. Criteria: Myriad Autosomal Dominant, Autosomal Recessive and X-Linked Classification Criteria (2023). Collection method: clinical testing. Allele origin: unknown.
Comment: This variant is considered benign. This variant is a silent/synonymous amino acid change and it is not expected to impact splicing.

Labcorp Genetics (formerly Invitae), Labcorp
Classification: Likely benign for Tuberous sclerosis 2. Last evaluated: 2023-06-09. Review status: criteria provided, single submitter. Criteria: Invitae Variant Classification Sherloc (09022015). Collection method: clinical testing. Allele origin: germline.

Ambry Genetics
Classification: Likely benign for Hereditary cancer-predisposing syndrome. Last evaluated: 2021-12-21. Review status: criteria provided, single submitter. Criteria: Ambry Variant Classification Scheme 2023. Collection method: clinical testing. Allele origin: germline.